The following is an entry in ClinVar:

NM_001366385.1(CARD14):c.1499+2T>C

Gene: CARD14 (caspase recruitment domain family member 14; plus strand). Cytogenetic location: 17q25.3.
Variant type: single nucleotide variant.
Coding change: c.1499+2T>C on transcript NM_001366385.1 (MANE Select); the canonical splice donor site of the intron after coding-DNA position 1499, T replaced by C.
Molecular consequence: splice donor variant.
Genome position (GRCh38, 1-based): chr17:80,195,335, T>C. VCF-style: chr17-80195335-T-C. GRCh37 (hg19) VCF-style: chr17-78169134-T-C.
Other names: c.1499+2T>C (NM_024110.4, NM_001257970.1); c.788+2T>C (NM_052819.3).
Identifiers: ClinVar variation 2954505 (VCV002954505.3), dbSNP rs2510667780, ClinGen allele CA401349268.
Genomic context (GRCh38, chr17:80,195,335, plus strand): 5'-CAGCAGTCCCTGTACAAGCGGGTGGCCGAGGACTTCGGGGAAGAACCCTGGTCTTTCAGG[T>C]AGAGCACTGGGGTCCTTCCTGGCACTGGGGTGGCACTGGGGTCCTTCCTGGCAACTCACC-3'

ClinVar aggregate classification (germline): Uncertain significance (1 of 4 stars; one submission).

Conditions:
Pityriasis rubra pilaris (PRP). Also called: Pityriasis rubra pilaris--familial type. Identifiers: Orphanet 2897, MedGen C0032027, MONDO:0100017, OMIM 173200, MONDO:0008251.
Psoriasis 2. Identifiers: MedGen C1864497, MONDO:0011269, OMIM 602723.

Submission:

Labcorp Genetics (formerly Invitae), Labcorp
Classification: Uncertain significance for Pityriasis rubra pilaris; Psoriasis 2. Last evaluated: 2023-12-09. Review status: criteria provided, single submitter. Criteria: Invitae Variant Classification Sherloc (09022015). Collection method: clinical testing. Allele origin: germline.
Comment: This sequence change affects a donor splice site in intron 10 of the CARD14 gene. It is expected to disrupt RNA splicing. Variants that disrupt the donor or acceptor splice site typically lead to a loss of protein function (PMID: 16199547), however the current clinical and genetic evidence is not sufficient to establish whether loss-of-function variants in CARD14 cause disease. This variant is not present in population databases (gnomAD no frequency). This variant has not been reported in the literature in individuals affected with CARD14-related conditions. Algorithms developed to predict the effect of sequence changes on RNA splicing suggest that this variant may disrupt the consensus splice site. In summary, the available evidence is currently insufficient to determine the role of this variant in disease. Therefore, it has been classified as a Variant of Uncertain Significance.

Literature cited by the submitters: PubMed 16199547.